The following is an entry in ClinVar:

ClinVar aggregate classification (germline): Uncertain significance (1 of 4 stars; one submission).

Conditions:
Early-infantile DEE. Also called: Early infantile epileptic encephalopathy; Ohtahara syndrome; Early infantile epileptic encephalopathy with suppression bursts. Identifiers: Orphanet 1934, MedGen C0393706, MONDO:0800491.

Allele frequency attached by ClinVar (database versions not stated): gnomAD exomes below 0.00001; TOPMed below 0.00001.
gnomAD v4.1: 1 of 1,614,012 alleles (0.000062%); highest among the groups gnomAD compares: Non-Finnish European, 0.000085%; no homozygotes.

Submission:

Labcorp Genetics (formerly Invitae), Labcorp
Classification: Uncertain significance for Early-infantile DEE. Last evaluated: 2021-10-11. Review status: criteria provided, single submitter. Criteria: Invitae Variant Classification Sherloc (09022015). Collection method: clinical testing. Allele origin: germline.
Comment: This variant has not been reported in the literature in individuals affected with KCNQ2-related conditions. In summary, the available evidence is currently insufficient to determine the role of this variant in disease. Therefore, it has been classified as a Variant of Uncertain Significance. Variants that disrupt the consensus splice site are a relatively common cause of aberrant splicing (PMID: 17576681, 9536098). Algorithms developed to predict the effect of sequence changes on RNA splicing suggest that this variant is not likely to affect RNA splicing. This variant is not present in population databases (ExAC no frequency). This sequence change falls in intron 8 of the KCNQ2 gene. It does not directly change the encoded amino acid sequence of the KCNQ2 protein. It affects a nucleotide within the consensus splice site of the intron.

Literature cited by the submitters: PubMed 17576681; PubMed 9536098.

NM_172107.4(KCNQ2):c.1118+4C>T

Gene: KCNQ2 (potassium voltage-gated channel subfamily Q member 2; minus strand). Cytogenetic location: 20q13.33.
Variant type: single nucleotide variant.
Coding change: c.1118+4C>T on transcript NM_172107.4 (MANE Select); 4 bases into the intron after coding-DNA position 1118, C replaced by T.
Molecular consequence: intron variant. On other transcripts: synonymous variant (1).
Genome position (GRCh38, 1-based): chr20:63,433,805, G>A on the plus strand (C>T on the coding strand, the complement: KCNQ2 is on the minus strand). VCF-style: chr20-63433805-G-A. GRCh37 (hg19) VCF-style: chr20-62065158-G-A.
Other names: c.1122C>T, p.Tyr374= (NM_172109.3); c.1118+4C>T (NM_004518.6, NM_172108.5, NM_172106.3 and 1 more transcripts).
Identifiers: ClinVar variation 1404721 (VCV001404721.7), dbSNP rs2080901190, ClinGen allele CA2374788876.